The following is an entry in ClinVar:

ClinVar aggregate classification (germline): Uncertain significance (1 of 4 stars; one submission).

Submission:

Labcorp Genetics (formerly Invitae), Labcorp
Classification: Uncertain significance. Last evaluated: 2023-08-24. Review status: criteria provided, single submitter. Criteria: Invitae Variant Classification Sherloc (09022015). Collection method: clinical testing. Allele origin: germline.
Comment: This variant is not present in population databases (gnomAD no frequency). This sequence change replaces leucine, which is neutral and non-polar, with isoleucine, which is neutral and non-polar, at codon 312 of the SERPINF1 protein (p.Leu312Ile). This variant has not been reported in the literature in individuals affected with SERPINF1-related conditions. Advanced modeling of protein sequence and biophysical properties (such as structural, functional, and spatial information, amino acid conservation, physicochemical variation, residue mobility, and thermodynamic stability) performed at Invitae indicates that this missense variant is not expected to disrupt SERPINF1 protein function. ClinVar contains an entry for this variant (Variation ID: 1714445). In summary, the available evidence is currently insufficient to determine the role of this variant in disease. Therefore, it has been classified as a Variant of Uncertain Significance.

NM_002615.7(SERPINF1):c.934C>A (p.Leu312Ile)

Gene: SERPINF1 (serpin family F member 1; plus strand). Cytogenetic location: 17p13.3.
Variant type: single nucleotide variant.
Coding change: c.934C>A on transcript NM_002615.7 (MANE Select); coding-DNA position 934, C replaced by A.
Protein change: p.Leu312Ile; replaces leucine 312 with isoleucine.
Molecular consequence: missense variant.
Genome position (GRCh38, 1-based): chr17:1,776,679, C>A. VCF-style: chr17-1776679-C-A. GRCh37 (hg19) VCF-style: chr17-1679973-C-A.
Other names: c.934C>A, p.Leu312Ile (NM_001329903.2); c.373C>A, p.Leu125Ile (NM_001329904.2, NM_001329905.2); short protein forms L125I, L312I.
Identifiers: ClinVar variation 1714445 (VCV001714445.5), dbSNP rs2543493197, ClinGen allele CA397589856.
Genomic context (GRCh38, chr17:1,776,679, plus strand): 5'-AGCCTCACCTCCGAGTTCATTCATGACATAGACCGAGAACTGAAGACCGTGCAGGCGGTC[C>A]TCACTGTCCCCAAGCTGAAGCTGAGTTATGAAGGCGAAGTCACCAAGTCCCTGCAGGAGA-3'
Protein context (NP_002606.3, residues 302-322): DRELKTVQAV[Leu312Ile]TVPKLKLSYE